The following is an entry in ClinVar:

ClinVar aggregate classification (germline): Conflicting classifications of pathogenicity. Review status: criteria provided, conflicting classifications (1 of 4 stars). 6 submissions from 6 submitters: Uncertain significance (4); Benign (1); Likely benign (1). Last evaluated 2026-06-12.

Conditions:
Polyps, multiple and recurrent inflammatory fibroid, gastrointestinal. Identifiers: MedGen C5193005, MONDO:0008285, OMIM 175510.
PDGFRA-related disorder. Also called: PDGFRA-related condition.
Hereditary cancer-predisposing syndrome. Also called: Neoplastic Syndromes, Hereditary; Tumor predisposition; Hereditary Cancer Syndrome; Hereditary neoplastic syndrome. Identifiers: Orphanet 140162, MedGen C0027672, MeSH D009386, MONDO:0015356.
Gastrointestinal stromal tumor. Also called: Gastrointestinal stroma tumor; Gastrointestinal stromal tumor, somatic. Identifiers: Orphanet 44890, MedGen C0238198, MeSH D046152, MONDO:0011719, OMIM 606764, HP:0100723.

Allele frequency attached by ClinVar (database versions not stated): gnomAD 0.00002; gnomAD exomes 0.00002 and 0.00005; TOPMed 0.00002; ExAC 0.00004.
gnomAD v4.1: 36 of 1,614,042 alleles (0.0022%); highest among the groups gnomAD compares: Admixed American, 0.0033%; no homozygotes.

Submissions (6):

Myriad Genetics, Inc.
Classification: Likely benign for Polyps, multiple and recurrent inflammatory fibroid, gastrointestinal. Last evaluated: 2026-06-12. Review status: criteria provided, single submitter. Criteria: Myriad Autosomal Dominant, Autosomal Recessive and X-Linked Classification Criteria (2023). Collection method: clinical testing. Allele origin: unknown.
Comment: This variant is considered likely benign. This variant has been observed at a population frequency that is significantly greater than expected given the associated disease prevalence and penetrance.

Labcorp Genetics (formerly Invitae), Labcorp
Classification: Uncertain significance for Gastrointestinal stromal tumor. Last evaluated: 2026-01-11. Review status: criteria provided, single submitter. Criteria: Invitae Variant Classification Sherloc (09022015). Collection method: clinical testing. Allele origin: germline.
Comment: This sequence change replaces arginine, which is basic and polar, with cysteine, which is neutral and slightly polar, at codon 293 of the PDGFRA protein (p.Arg293Cys). This variant is present in population databases (rs762106764, gnomAD 0.008%). This variant has not been reported in the literature in individuals affected with PDGFRA-related conditions. ClinVar contains an entry for this variant (Variation ID: 407386). Invitae Evidence Modeling of protein sequence and biophysical properties (such as structural, functional, and spatial information, amino acid conservation, physicochemical variation, residue mobility, and thermodynamic stability) indicates that this missense variant is not expected to disrupt PDGFRA protein function with a negative predictive value of 80%. In summary, the available evidence is currently insufficient to determine the role of this variant in disease. Therefore, it has been classified as a Variant of Uncertain Significance.

PreventionGenetics, part of Exact Sciences
Classification: Uncertain significance for PDGFRA-related condition. Last evaluated: 2025-08-22. Review status: criteria provided, single submitter. Criteria: ACMG Guidelines, 2015. Collection method: clinical testing. Allele origin: germline.
Comment: The PDGFRA c.877C>T variant is predicted to result in the amino acid substitution p.Arg293Cys. To our knowledge, this variant has not been reported in the literature. This variant is reported in 0.0080% of alleles in individuals of European (Finnish) descent in gnomAD. This variant has conflicting classifications in ClinVar ranging from benign to uncertain significance (Variation ID: 407386). At this time, the clinical significance of this variant is uncertain due to the absence of conclusive functional and genetic evidence.

Ambry Genetics
Classification: Benign for Hereditary cancer-predisposing syndrome. Last evaluated: 2024-10-28. Review status: criteria provided, single submitter. Criteria: Ambry Variant Classification Scheme 2023. Collection method: clinical testing. Allele origin: germline.

Baylor Genetics
Classification: Uncertain significance for Polyps, multiple and recurrent inflammatory fibroid, gastrointestinal. Last evaluated: 2023-10-16. Review status: criteria provided, single submitter. Criteria: ACMG Guidelines, 2015. Collection method: clinical testing. Allele origin: unknown.

GeneDx
Classification: Uncertain significance. Last evaluated: 2022-06-04. Review status: criteria provided, single submitter. Criteria: GeneDx Variant Classification Process June 2021. Collection method: clinical testing. Allele origin: germline. Affected: yes.
Comment: In silico analysis supports that this missense variant does not alter protein structure/function; Has not been previously published as pathogenic or benign to our knowledge

NM_006206.6(PDGFRA):c.877C>T (p.Arg293Cys)

Gene: PDGFRA (platelet derived growth factor receptor alpha; plus strand). Cytogenetic location: 4q12.
Variant type: single nucleotide variant.
Coding change: c.877C>T on transcript NM_006206.6 (MANE Select); coding-DNA position 877, C replaced by T.
Protein change: p.Arg293Cys; replaces arginine 293 with cysteine.
Molecular consequence: missense variant.
Genome position (GRCh38, 1-based): chr4:54,267,406, C>T. VCF-style: chr4-54267406-C-T. GRCh37 (hg19) VCF-style: chr4-55133573-C-T.
Other names: c.877C>T, p.Arg293Cys (NM_001347827.2, NM_001347829.2); c.952C>T, p.Arg318Cys (NM_001347828.2); c.916C>T, p.Arg306Cys (NM_001347830.2); c.877C>T (NM_006206.5); short protein forms R293C, R318C, R306C.
Identifiers: ClinVar variation 407386 (VCV000407386.28), dbSNP rs762106764, ClinGen allele CA2922409.